The following is an entry in ClinVar:

NM_020937.4(FANCM):c.1703T>C (p.Ile568Thr)

Gene: FANCM (FA complementation group M; plus strand). Cytogenetic location: 14q21.2.
Variant type: single nucleotide variant.
Coding change: c.1703T>C on transcript NM_020937.4 (MANE Select); coding-DNA position 1703, T replaced by C.
Protein change: p.Ile568Thr; replaces isoleucine 568 with threonine.
Molecular consequence: missense variant.
Genome position (GRCh38, 1-based): chr14:45,164,480, T>C. VCF-style: chr14-45164480-T-C. GRCh37 (hg19) VCF-style: chr14-45633683-T-C.
Other names: c.1625T>C, p.Ile542Thr (NM_001308133.2); c.1703T>C, p.Ile568Thr (NM_001308134.2); short protein forms I542T, I568T.
Identifiers: ClinVar variation 1313188 (VCV001313188.7), dbSNP rs764204806, ClinGen allele CA7169128.

ClinVar aggregate classification (germline): Uncertain significance. Review status: criteria provided, multiple submitters, no conflicts (2 of 4 stars). 3 submissions from 3 submitters: Uncertain significance (3). Last evaluated 2023-07-25.

Conditions:
Hereditary cancer-predisposing syndrome. Also called: Hereditary neoplastic syndrome; Neoplastic Syndromes, Hereditary; Tumor predisposition; Hereditary Cancer Syndrome. Identifiers: Orphanet 140162, MedGen C0027672, MeSH D009386, MONDO:0015356.
Fanconi anemia (FA). Also called: Fanconi's anemia. Identifiers: Orphanet 84, MedGen C0015625, MeSH D005199, MONDO:0019391.

Allele frequency attached by ClinVar (database versions not stated): gnomAD exomes below 0.00001 and 0.00001; ExAC 0.00001; TOPMed 0.00002.
gnomAD v4.1: 3 of 1,613,762 alleles (0.00019%); highest among the groups gnomAD compares: African/African-American, 0.004%; no homozygotes.

Submissions (3):

Labcorp Genetics (formerly Invitae), Labcorp
Classification: Uncertain significance for Fanconi anemia. Last evaluated: 2023-07-25. Review status: criteria provided, single submitter. Criteria: Invitae Variant Classification Sherloc (09022015). Collection method: clinical testing. Allele origin: germline.
Comment: This variant is present in population databases (rs764204806, gnomAD 0.02%). This variant has not been reported in the literature in individuals affected with FANCM-related conditions. ClinVar contains an entry for this variant (Variation ID: 1313188). An algorithm developed to predict the effect of missense changes on protein structure and function (PolyPhen-2) suggests that this variant is likely to be tolerated. In summary, the available evidence is currently insufficient to determine the role of this variant in disease. Therefore, it has been classified as a Variant of Uncertain Significance. This sequence change replaces isoleucine, which is neutral and non-polar, with threonine, which is neutral and polar, at codon 568 of the FANCM protein (p.Ile568Thr).

GeneDx
Classification: Uncertain significance. Last evaluated: 2023-05-31. Review status: criteria provided, single submitter. Criteria: GeneDx Variant Classification Process June 2021. Collection method: clinical testing. Allele origin: germline. Affected: yes.
Comment: In silico analysis supports that this missense variant has a deleterious effect on protein structure/function; Observed in individuals with ovarian cancer (Dicks et al., 2017); This variant is associated with the following publications: (PMID: 28881617)

Sema4
Classification: Uncertain significance for Hereditary cancer-predisposing syndrome. Last evaluated: 2021-08-24. Review status: criteria provided, single submitter. Criteria: Sema4 Curation Guidelines. Collection method: curation. Allele origin: germline.
Comment: The FANCM c.1703T>C (p.I568T) variant has been reported in heterozygosity in at least one individual with ovarian cancer (PMID: 28881617). This variant was observed in 3/16252 chromosomes in the African population according to the Genome Aggregation Database (PMID: 32461654) but has not been reported in ClinVar. Functional studies have not been performed, and in silico predictions of the variant's effect on protein function are inconclusive. Based on the current evidence available, this variant is interpreted as a variant of uncertain significance.

Literature cited by the submitters: PubMed 28881617 (cited by Sema4).